The following is an entry in ClinVar:

NM_022552.5(DNMT3A):c.1956C>T (p.Asp652=)

Gene: DNMT3A (DNA methyltransferase 3 alpha; minus strand). Cytogenetic location: 2p23.3.
Variant type: single nucleotide variant.
Coding change: c.1956C>T on transcript NM_022552.5 (MANE Select); coding-DNA position 1956, C replaced by T.
Protein change: p.Asp652=; no amino-acid change (aspartic acid 652 retained).
Molecular consequence: synonymous variant. On other transcripts: non-coding transcript variant (1).
Genome position (GRCh38, 1-based): chr2:25,241,688, G>A on the plus strand (C>T on the coding strand, the complement: DNMT3A is on the minus strand). VCF-style: chr2-25241688-G-A. GRCh37 (hg19) VCF-style: chr2-25464557-G-A.
Other names: c.1500C>T, p.Asp500= (NM_001320893.1); c.1287C>T, p.Asp429= (NM_001375819.1); c.1389C>T, p.Asp463= (NM_153759.3); c.1956C>T, p.Asp652= (NM_175629.2).
Identifiers: ClinVar variation 2066554 (VCV002066554.5), dbSNP rs755435014, ClinGen allele CA1555811.

ClinVar aggregate classification (germline): Likely benign. Review status: criteria provided, single submitter (1 of 4 stars). 2 submissions from 2 submitters: Likely benign (1). 1 of the submissions does not count toward it. Last evaluated 2026-01-19.

Conditions:
Tatton-Brown-Rahman overgrowth syndrome. Also called: Tall stature-intellectual disability-facial dysmorphism syndrome; Tatton-Brown-Rahman syndrome. Identifiers: Orphanet 404443, MedGen C4014545, MONDO:0014382, OMIM 615879.
DNMT3A-related disorder. Also called: DNMT3A-related disorders; DNMT3A-related condition.

Allele frequency attached by ClinVar (database versions not stated): gnomAD 0.00001; gnomAD exomes 0.00001; TOPMed 0.00001; ExAC 0.00003.
gnomAD v4.1: 5 of 1,613,910 alleles (0.00031%); highest among the groups gnomAD compares: Admixed American, 0.0083%; no homozygotes.

Submissions (2):

Labcorp Genetics (formerly Invitae), Labcorp
Classification: Likely benign for Tatton-Brown-Rahman overgrowth syndrome. Last evaluated: 2026-01-19. Review status: criteria provided, single submitter. Criteria: Invitae Variant Classification Sherloc (09022015). Collection method: clinical testing. Allele origin: germline.

PreventionGenetics, part of Exact Sciences
Classification: Likely benign for DNMT3A-related condition. Last evaluated: 2022-05-18. Review status: no assertion criteria provided. Collection method: clinical testing. Allele origin: germline. Not counted in ClinVar's aggregate classification.
Comment: This variant is classified as likely benign based on ACMG/AMP sequence variant interpretation guidelines (Richards et al. 2015 PMID: 25741868, with internal and published modifications).